The following is an entry in ClinVar:

ClinVar aggregate classification (germline): Uncertain significance (1 of 4 stars; one submission).

Submission:

CeGaT Center for Human Genetics Tuebingen
Classification: Uncertain significance. Last evaluated: 2025-11-01. Review status: criteria provided, single submitter. Criteria: CeGaT Center For Human Genetics Tuebingen Variant Classification Criteria Version 2. Collection method: clinical testing. Allele origin: germline. Affected: yes. Observed: 1 variant allele.
Comment: NECTIN1: PM2, BP4

NM_203285.2(NECTIN1):c.1183C>A (p.Pro395Thr)

Gene: NECTIN1 (nectin cell adhesion molecule 1; minus strand). Cytogenetic location: 11q23.3.
Variant type: single nucleotide variant.
Coding change: c.1183C>A on transcript NM_203285.2; coding-DNA position 1183, C replaced by A.
Protein change: p.Pro395Thr; replaces proline 395 with threonine.
Molecular consequence: missense variant.
Genome position (GRCh38, 1-based): chr11:119,638,775, G>T on the plus strand (C>A on the coding strand, the complement: NECTIN1 is on the minus strand). VCF-style: chr11-119638775-G-T. GRCh37 (hg19) VCF-style: chr11-119509485-G-T.
Other names: short protein forms P395T.
Identifiers: ClinVar variation 4535171 (VCV004535171.6).